The following is an entry in ClinVar:

NM_031229.4(RBCK1):c.656C>T (p.Ala219Val)

Gene: RBCK1 (RANBP2-type and C3HC4-type zinc finger containing 1; plus strand). Cytogenetic location: 20p13.
Variant type: single nucleotide variant.
Coding change: c.656C>T on transcript NM_031229.4 (MANE Select); coding-DNA position 656, C replaced by T.
Protein change: p.Ala219Val; replaces alanine 219 with valine.
Molecular consequence: missense variant. On other transcripts: non-coding transcript variant (1).
Genome position (GRCh38, 1-based): chr20:419,631, C>T. VCF-style: chr20-419631-C-T. GRCh37 (hg19) VCF-style: chr20-400275-C-T.
Other names: c.307C>T, p.Arg103Cys (NM_001323956.2, NM_001323958.2); c.707C>T, p.Ala236Val (NM_001410770.1); c.530C>T, p.Ala177Val (NM_006462.6); short protein forms A219V, A236V, R103C, A177V.
Identifiers: ClinVar variation 2048626 (VCV002048626.4), dbSNP rs2016245670, ClinGen allele CA407924920.
Genomic context (GRCh38, chr20:419,631, plus strand): 5'-GCCCCGGGTGCACCTTCATCAACAAGCCCACGCGGCCTGGCTGTGAGATGTGCTGCCGGG[C>T]GCGCCCCGAGGCCTACCAGGTCCCCGCCTCATACCAGCCCGACGAGGAGGAGCGAGCGCG-3'
Protein context (NP_112506.2, residues 209-229): TRPGCEMCCR[Ala219Val]RPEAYQVPAS

ClinVar aggregate classification (germline): Uncertain significance (1 of 4 stars; one submission).

Conditions:
Polyglucosan body myopathy type 1 (PGBM1). Also called: Polyglucosan body myopathy 1 with or without immunodeficiency; POLYGLUCOSAN BODY MYOPATHY WITHOUT IMMUNODEFICIENCY. Identifiers: Orphanet 329173, Orphanet 397937, MedGen C4014605, MONDO:0014389, OMIM 615895.

Submission:

Labcorp Genetics (formerly Invitae), Labcorp
Classification: Uncertain significance for Polyglucosan body myopathy type 1. Last evaluated: 2021-12-19. Review status: criteria provided, single submitter. Criteria: Invitae Variant Classification Sherloc (09022015). Collection method: clinical testing. Allele origin: germline.
Comment: This sequence change replaces alanine, which is neutral and non-polar, with valine, which is neutral and non-polar, at codon 219 of the RBCK1 protein (p.Ala219Val). In summary, the available evidence is currently insufficient to determine the role of this variant in disease. Therefore, it has been classified as a Variant of Uncertain Significance. Algorithms developed to predict the effect of missense changes on protein structure and function are either unavailable or do not agree on the potential impact of this missense change (SIFT: "Not Available"; PolyPhen-2: "Benign"; Align-GVGD: "Not Available"). This variant has not been reported in the literature in individuals affected with RBCK1-related conditions. This variant is not present in population databases (gnomAD no frequency).